The following is an entry in ClinVar:

NM_006206.6(PDGFRA):c.1664A>G (p.Tyr555Cys)

Gene: PDGFRA (platelet derived growth factor receptor alpha; plus strand). Cytogenetic location: 4q12.
Variant type: single nucleotide variant.
Coding change: c.1664A>G on transcript NM_006206.6 (MANE Select); coding-DNA position 1664, A replaced by G.
Protein change: p.Tyr555Cys; replaces tyrosine 555 with cysteine.
Molecular consequence: missense variant.
Genome position (GRCh38, 1-based): chr4:54,274,851, A>G. VCF-style: chr4-54274851-A-G. GRCh37 (hg19) VCF-style: chr4-55141018-A-G.
Other names: c.1664A>G, p.Tyr555Cys (NM_001347827.2, NM_001347829.2); c.1739A>G, p.Tyr580Cys (NM_001347828.2); c.1703A>G, p.Tyr568Cys (NM_001347830.2); short protein forms Y555C, Y568C, Y580C.
Identifiers: ClinVar variation 13552 (VCV000013552.12), dbSNP rs121908589, ClinGen allele CA123221.

ClinVar aggregate classification (germline): Pathogenic. Review status: criteria provided, single submitter (1 of 4 stars). 2 submissions from 2 submitters: Pathogenic (1). 1 of the submissions does not count toward it. Last evaluated 2025-09-02.

Conditions:
Polyps, multiple and recurrent inflammatory fibroid, gastrointestinal. Identifiers: MedGen C5193005, MONDO:0008285, OMIM 175510.
Gastrointestinal stromal tumor. Also called: Gastrointestinal stromal tumor, somatic; Gastrointestinal stroma tumor. Identifiers: Orphanet 44890, MedGen C0238198, MeSH D046152, MONDO:0011719, OMIM 606764, HP:0100723.

Submissions (2):

Labcorp Genetics (formerly Invitae), Labcorp
Classification: Pathogenic for Gastrointestinal stromal tumor. Last evaluated: 2025-09-02. Review status: criteria provided, single submitter. Criteria: Invitae Variant Classification Sherloc (09022015). Collection method: clinical testing. Allele origin: germline.
Comment: This sequence change replaces tyrosine, which is neutral and polar, with cysteine, which is neutral and slightly polar, at codon 555 of the PDGFRA protein (p.Tyr555Cys). This variant is not present in population databases (gnomAD no frequency). This missense change has been observed in individual(s) with clinical features of GIST-plus syndrome (PMID: 17087943; internal data). It has also been observed to segregate with disease in related individuals. ClinVar contains an entry for this variant (Variation ID: 13552). Invitae Evidence Modeling of protein sequence and biophysical properties (such as structural, functional, and spatial information, amino acid conservation, physicochemical variation, residue mobility, and thermodynamic stability) has been performed for this missense variant. However, the output from this modeling did not meet the statistical confidence thresholds required to predict the impact of this variant on PDGFRA protein function. Experimental studies have shown that this missense change affects PDGFRA function (PMID: 17087943). For these reasons, this variant has been classified as Pathogenic.

OMIM
Classification: Pathogenic for GIST-PLUS SYNDROME. Last evaluated: 2006-12-01. Review status: no assertion criteria provided. Collection method: literature only. Allele origin: germline. Not counted in ClinVar's aggregate classification.

Literature cited by the submitters: PubMed 17087943 (cited by Labcorp Genetics (formerly Invitae), Labcorp and OMIM); PubMed 3152526 (cited by OMIM); PubMed 3152525 (cited by OMIM).